The following is an entry in ClinVar:

NM_014363.6(SACS):c.9905T>C (p.Leu3302Pro)

Gene: SACS (sacsin molecular chaperone; minus strand). Cytogenetic location: 13q12.12.
Variant type: single nucleotide variant.
Coding change: c.9905T>C on transcript NM_014363.6 (MANE Select); coding-DNA position 9905, T replaced by C.
Protein change: p.Leu3302Pro; replaces leucine 3302 with proline.
Molecular consequence: missense variant.
Genome position (GRCh38, 1-based): chr13:23,333,971, A>G on the plus strand (T>C on the coding strand, the complement: SACS is on the minus strand). VCF-style: chr13-23333971-A-G. GRCh37 (hg19) VCF-style: chr13-23908110-A-G.
Other names: c.9464T>C, p.Leu3155Pro (NM_001278055.2); short protein forms L3155P, L3302P.
Identifiers: ClinVar variation 1256222 (VCV001256222.3), dbSNP rs2137579752, ClinGen allele CA387513401.

ClinVar aggregate classification (germline): Uncertain significance. Review status: criteria provided, multiple submitters, no conflicts (2 of 4 stars). 2 submissions from 2 submitters: Uncertain significance (2). Last evaluated 2025-07-02.

Conditions:
Spastic paraplegia. Identifiers: MedGen C0037772, HP:0001258.

Submissions (2):

Labcorp Genetics (formerly Invitae), Labcorp
Classification: Uncertain significance for Spastic paraplegia. Last evaluated: 2025-07-02. Review status: criteria provided, single submitter. Criteria: Invitae Variant Classification Sherloc (09022015). Collection method: clinical testing. Allele origin: germline.
Comment: This sequence change replaces leucine, which is neutral and non-polar, with proline, which is neutral and non-polar, at codon 3302 of the SACS protein (p.Leu3302Pro). This variant is not present in population databases (gnomAD no frequency). This missense change has been observed in individual(s) with clinical features of hereditary spastic paraplegia (internal data). In at least one individual the data is consistent with being in trans (on the opposite chromosome) from a pathogenic variant. ClinVar contains an entry for this variant (Variation ID: 1256222). Invitae Evidence Modeling of protein sequence and biophysical properties (such as structural, functional, and spatial information, amino acid conservation, physicochemical variation, residue mobility, and thermodynamic stability) indicates that this missense variant is not expected to disrupt SACS protein function with a negative predictive value of 95%. In summary, the available evidence is currently insufficient to determine the role of this variant in disease. Therefore, it has been classified as a Variant of Uncertain Significance.

Athena Diagnostics
Classification: Uncertain significance. Last evaluated: 2021-03-29. Review status: criteria provided, single submitter. Criteria: Athena Diagnostics criteria. Collection method: clinical testing. Allele origin: unknown.